The following is an entry in ClinVar:

ClinVar aggregate classification (germline): Uncertain significance (1 of 4 stars; one submission).

Allele frequency attached by ClinVar (database versions not stated): gnomAD 0.00001; gnomAD exomes 0.00001; TOPMed 0.00001.
gnomAD v4.1: 6 of 1,613,220 alleles (0.00037%); highest among the groups gnomAD compares: African/African-American, 0.0013%; no homozygotes.

Submission:

Labcorp Genetics (formerly Invitae), Labcorp
Classification: Uncertain significance. Last evaluated: 2022-10-04. Review status: criteria provided, single submitter. Criteria: Invitae Variant Classification Sherloc (09022015). Collection method: clinical testing. Allele origin: germline.
Comment: This sequence change replaces glycine, which is neutral and non-polar, with glutamic acid, which is acidic and polar, at codon 5110 of the USH2A protein (p.Gly5110Glu). This variant is present in population databases (no rsID available, gnomAD 0.004%). This variant has not been reported in the literature in individuals affected with USH2A-related conditions. Advanced modeling of protein sequence and biophysical properties (such as structural, functional, and spatial information, amino acid conservation, physicochemical variation, residue mobility, and thermodynamic stability) performed at Invitae indicates that this missense variant is not expected to disrupt USH2A protein function. In summary, the available evidence is currently insufficient to determine the role of this variant in disease. Therefore, it has been classified as a Variant of Uncertain Significance.

NM_206933.4(USH2A):c.15329G>A (p.Gly5110Glu)

Gene: USH2A (usherin; minus strand). Cytogenetic location: 1q41.
Variant type: single nucleotide variant.
Coding change: c.15329G>A on transcript NM_206933.4 (MANE Select); coding-DNA position 15329, G replaced by A.
Protein change: p.Gly5110Glu; replaces glycine 5110 with glutamic acid.
Molecular consequence: missense variant.
Genome position (GRCh38, 1-based): chr1:215,629,004, C>T on the plus strand (G>A on the coding strand, the complement: USH2A is on the minus strand). VCF-style: chr1-215629004-C-T. GRCh37 (hg19) VCF-style: chr1-215802346-C-T.
Other names: short protein forms G5110E.
Identifiers: ClinVar variation 1987288 (VCV001987288.1), dbSNP rs1445054643, ClinGen allele CA344821465.
Genomic context (GRCh38, chr1:215,629,004, plus strand): 5'-TTTTGACTCGGGATGCGCAGGACACATGCACTCCGGTTGCTGCGGATACTCACAGGTGTC[C>T]CAGACCGGGGAATTTTGGTATCGGCTAACCCCTGAGAAGGAAGTTGCTGTGAGTATTTCA-3'
Protein context (NP_996816.3, residues 5100-5120): GLADTKIPRS[Gly5110Glu]TPVSIRSNRS